The following is an entry in ClinVar:

NM_001042545.2(LTBP4):c.2138C>T (p.Pro713Leu)

Gene: LTBP4 (latent transforming growth factor beta binding protein 4; plus strand). Cytogenetic location: 19q13.2.
Variant type: single nucleotide variant.
Coding change: c.2138C>T on transcript NM_001042545.2 (MANE Select); coding-DNA position 2138, C replaced by T.
Protein change: p.Pro713Leu; replaces proline 713 with leucine.
Molecular consequence: missense variant.
Genome position (GRCh38, 1-based): chr19:40,611,943, C>T. VCF-style: chr19-40611943-C-T. GRCh37 (hg19) VCF-style: chr19-41117849-C-T.
Other names: c.2339C>T, p.Pro780Leu (NM_001042544.1); c.2228C>T, p.Pro743Leu (NM_003573.2); short protein forms P743L, P780L, P713L.
Identifiers: ClinVar variation 2117598 (VCV002117598.4), dbSNP rs2081509690, ClinGen allele CA405938245.

ClinVar aggregate classification (germline): Uncertain significance (1 of 4 stars; one submission).

Allele frequency attached by ClinVar (database versions not stated): TOPMed 0.00001.

Submission:

Labcorp Genetics (formerly Invitae), Labcorp
Classification: Uncertain significance. Last evaluated: 2022-03-26. Review status: criteria provided, single submitter. Criteria: Invitae Variant Classification Sherloc (09022015). Collection method: clinical testing. Allele origin: germline.
Comment: In summary, the available evidence is currently insufficient to determine the role of this variant in disease. Therefore, it has been classified as a Variant of Uncertain Significance. Experimental studies and prediction algorithms are not available or were not evaluated, and the functional significance of this variant is currently unknown. This variant has not been reported in the literature in individuals affected with LTBP4-related conditions. This variant is not present in population databases (gnomAD no frequency). This sequence change replaces proline, which is neutral and non-polar, with leucine, which is neutral and non-polar, at codon 743 of the LTBP4 protein (p.Pro743Leu).